The following is an entry in ClinVar:

NM_001099922.3(ALG13):c.2108A>G (p.His703Arg)

Gene: ALG13 (ALG13 UDP-N-acetylglucosaminyltransferase subunit; plus strand). Cytogenetic location: Xq23.
Variant type: single nucleotide variant.
Coding change: c.2108A>G on transcript NM_001099922.3 (MANE Select); coding-DNA position 2108, A replaced by G.
Protein change: p.His703Arg; replaces histidine 703 with arginine.
Molecular consequence: missense variant. On other transcripts: non-coding transcript variant (1).
Genome position (GRCh38, 1-based): chrX:111,727,631, A>G. VCF-style: chrX-111727631-A-G. GRCh37 (hg19) VCF-style: chrX-110970859-A-G.
Other names: c.1796A>G, p.His599Arg (NM_001257230.2, NM_001257234.2, NM_001257237.2); c.1874A>G, p.His625Arg (NM_001257231.2); c.2108A>G, p.His703Arg (NM_001324292.2); c.1622A>G, p.His541Arg (NM_001324293.1); short protein forms H703R, H541R, H599R, H625R.
Identifiers: ClinVar variation 3003761 (VCV003003761.4), dbSNP rs1942214434, ClinGen allele CA414253286.
Genomic context (GRCh38, chrX:111,727,631, plus strand): 5'-ATATTTCATCATTTTTACTTTTTTATTATTTGAACCACTTAAGTTCATTTAGACGTAGTC[A>G]CCGCCAGATGAGTTGTGTGAATAAGGAGTCCCAGTATGGATTTACCCCAGGGAATGGACA-3'
Protein context (NP_001093392.1, residues 693-713): SYRSRSFRRS[His703Arg]RQMSCVNKES

ClinVar aggregate classification (germline): Conflicting classifications of pathogenicity. Review status: criteria provided, conflicting classifications (1 of 4 stars). 2 submissions from 2 submitters: Uncertain significance (1); Likely benign (1). Last evaluated 2024-07-02.

Conditions:
Developmental and epileptic encephalopathy, 36 (DEE36). Also called: Epileptic encephalopathy, early infantile, 36; Congenital disorder of glycosylation, type Is; ALG13-CDG. Identifiers: Orphanet 324422, MedGen C4317295, MONDO:0010472, OMIM 300884.

Allele frequency attached by ClinVar (database versions not stated): TOPMed 0.00001.

Submissions (2):

GeneDx
Classification: Uncertain significance. Last evaluated: 2024-07-02. Review status: criteria provided, single submitter. Criteria: GeneDx Variant Classification Process June 2021. Collection method: clinical testing. Allele origin: germline. Affected: yes.
Comment: Not observed at significant frequency in large population cohorts (gnomAD); In silico analysis indicates that this missense variant does not alter protein structure/function; Has not been previously published as pathogenic or benign to our knowledge

Labcorp Genetics (formerly Invitae), Labcorp
Classification: Likely benign for Developmental and epileptic encephalopathy, 36. Last evaluated: 2023-09-29. Review status: criteria provided, single submitter. Criteria: Invitae Variant Classification Sherloc (09022015). Collection method: clinical testing. Allele origin: germline.